The following is an entry in ClinVar:

ClinVar aggregate classification (germline): Conflicting classifications of pathogenicity. Review status: criteria provided, conflicting classifications (1 of 4 stars). 3 submissions from 3 submitters: Likely pathogenic (2); Uncertain significance (1). Last evaluated 2023-01-08.

Conditions:
Platelet-type bleeding disorder 15 (BDPLT15). Also called: MACROTHROMBOCYTOPENIA, AUTOSOMAL DOMINANT, ACTN1-RELATED. Identifiers: Orphanet 140957, MedGen C3554663, MONDO:0014078, OMIM 615193.
ACTN1-related disorder. Also called: ACTN1-related condition.

Submissions (3):

PreventionGenetics, part of Exact Sciences
Classification: Likely pathogenic for ACTN1-related condition. Last evaluated: 2023-01-08. Review status: criteria provided, single submitter. Criteria: ACMG Guidelines, 2015. Collection method: clinical testing. Allele origin: germline.
Comment: The ACTN1 c.2243T>A variant is predicted to result in the amino acid substitution p.Met748Lys. This variant was reported in two related individuals with thrombocytopenia (Table 2, Vincenot A et al. 2019. PubMed ID: 31237726). In vitro functional study showed this variant resulted in altered distribution and disorganization of actin fibers (Vincenot A et al. 2019. PubMed ID: 31237726). This variant has not been reported in a large population database, indicating this variant is rare. This variant is interpreted as likely pathogenic.

Hematology laboratory, Robert Debré Hospital
Classification: Likely pathogenic for Platelet-type bleeding disorder 15. Review status: criteria provided, single submitter. Criteria: ACMG Guidelines, 2015. Collection method: clinical testing. Allele origin: germline. Affected: yes. Observed: 2 variant alleles.

Juno Genomics, Hangzhou Juno Genomics, Inc
Classification: Uncertain significance for Platelet-type bleeding disorder 15. Review status: criteria provided, single submitter. Criteria: ACMG Guidelines, 2015. Collection method: clinical testing. Allele origin: germline. Affected: yes.
Comment: Absent from controls (or at extremely low frequency if recessive) in Genome Aggregation Database, Exome Sequencing Project, 1000 Genomes Project, or Exome Aggregation Consortium.;Missense variant in a gene that has a low rate of benign missense variation and where missense variants are a common mechanism of disease.;Well-established in vitro or in vivo functional studies supportive of a damaging effect on the gene or gene product.;Patient's phenotype or family history is highly specific for a disease with a single genetic etiology.

Literature cited by the submitters: PubMed 31237726 (cited by Hematology laboratory, Robert Debré Hospital).

NM_001130004.2(ACTN1):c.2243T>A (p.Met748Lys)

Gene: ACTN1 (actinin alpha 1; minus strand). Cytogenetic location: 14q24.1.
Variant type: single nucleotide variant.
Coding change: c.2243T>A on transcript NM_001130004.2 (MANE Select); coding-DNA position 2243, T replaced by A.
Protein change: p.Met748Lys; replaces methionine 748 with lysine.
Molecular consequence: missense variant.
Genome position (GRCh38, 1-based): chr14:68,879,999, A>T on the plus strand (T>A on the coding strand, the complement: ACTN1 is on the minus strand). VCF-style: chr14-68879999-A-T. GRCh37 (hg19) VCF-style: chr14-69346716-A-T.
Other names: c.2243T>A, p.Met748Lys (NM_001102.4, NM_001130005.2); short protein forms M748K.
Identifiers: ClinVar variation 666550 (VCV000666550.4), dbSNP rs1594751659, ClinGen allele CA390181603.